The following is an entry in ClinVar:

NM_000466.3(PEX1):c.2045C>T (p.Ala682Val)

Gene: PEX1 (peroxisomal biogenesis factor 1; minus strand). Cytogenetic location: 7q21.2.
Variant type: single nucleotide variant.
Coding change: c.2045C>T on transcript NM_000466.3 (MANE Select); coding-DNA position 2045, C replaced by T.
Protein change: p.Ala682Val; replaces alanine 682 with valine.
Molecular consequence: missense variant. On other transcripts: intron variant (1).
Genome position (GRCh38, 1-based): chr7:92,504,758, G>A on the plus strand (C>T on the coding strand, the complement: PEX1 is on the minus strand). VCF-style: chr7-92504758-G-A. GRCh37 (hg19) VCF-style: chr7-92134072-G-A.
Other names: c.1421C>T, p.Ala474Val (NM_001282678.2); c.1900+1490C>T (NM_001282677.2); short protein forms A682V, A474V.
Identifiers: ClinVar variation 497946 (VCV000497946.17), dbSNP rs145350631, ClinGen allele CA4341232.

ClinVar aggregate classification (germline): Conflicting classifications of pathogenicity. Review status: criteria provided, conflicting classifications (1 of 4 stars). 6 submissions from 6 submitters: Uncertain significance (4); Likely benign (1). 1 of the submissions does not count toward it. Last evaluated 2026-02-01.

Conditions:
Zellweger spectrum disorders (ZS). Also called: Zellweger syndrome; Zellweger Spectrum Disorder; Zellweger Spectrum; Zellweger Spectrum Disorder (ZSD). Identifiers: Orphanet 912, MedGen C0043459, MONDO:0019609.
Inborn genetic diseases. Identifiers: MedGen C0950123, MeSH D030342.

Allele frequency attached by ClinVar (database versions not stated): gnomAD exomes 0.00004 and 0.00007; ExAC 0.00005; gnomAD 0.00021; TOPMed 0.00028; 1000 Genomes Project 30x 0.00031; ESP Exome Variant Server 0.00031; 1000 Genomes Project 0.00040.
gnomAD v4.1: 90 of 1,614,082 alleles (0.0056%); highest among the groups gnomAD compares: African/African-American, 0.073%; no homozygotes.

Submissions (6):

Labcorp Genetics (formerly Invitae), Labcorp
Classification: Likely benign for Zellweger spectrum disorders. Last evaluated: 2026-02-01. Review status: criteria provided, single submitter. Criteria: Invitae Variant Classification Sherloc (09022015). Collection method: clinical testing. Allele origin: germline.

Ambry Genetics
Classification: Uncertain significance for Inborn genetic diseases. Last evaluated: 2024-08-27. Review status: criteria provided, single submitter. Criteria: Ambry Variant Classification Scheme 2023. Collection method: clinical testing. Allele origin: germline.

Blueprint Genetics
Classification: Uncertain significance. Last evaluated: 2023-12-07. Review status: criteria provided, single submitter. Criteria: ACMG Guidelines, 2015. Collection method: clinical testing. Allele origin: germline.

GeneDx
Classification: Uncertain significance. Last evaluated: 2022-12-30. Review status: criteria provided, single submitter. Criteria: GeneDx Variant Classification Process June 2021. Collection method: clinical testing. Allele origin: germline. Affected: yes.
Comment: In silico analysis supports that this missense variant has a deleterious effect on protein structure/function; Has not been previously published as pathogenic or benign to our knowledge

Eurofins Ntd Llc (ga)
Classification: Uncertain significance. Last evaluated: 2018-04-06. Review status: criteria provided, single submitter. Criteria: EGL ClinVar v180209 classification definitions. Collection method: clinical testing. Allele origin: germline. Observed: 4 variant alleles, 4 heterozygotes.

Natera, Inc.
Classification: Uncertain significance for Zellweger syndrome. Last evaluated: 2018-05-18. Review status: no assertion criteria provided. Collection method: clinical testing. Allele origin: germline. Not counted in ClinVar's aggregate classification.